The following is an entry in ClinVar:

NM_001375524.1(TRRAP):c.38A>C (p.Asp13Ala)

Gene: TRRAP (transformation/transcription domain associated protein; plus strand). Cytogenetic location: 7q22.1.
Variant type: single nucleotide variant.
Coding change: c.38A>C on transcript NM_001375524.1 (MANE Select); coding-DNA position 38, A replaced by C.
Protein change: p.Asp13Ala; replaces aspartic acid 13 with alanine.
Molecular consequence: missense variant.
Genome position (GRCh38, 1-based): chr7:98,881,188, A>C. VCF-style: chr7-98881188-A-C. GRCh37 (hg19) VCF-style: chr7-98478811-A-C.
Other names: c.38A>C, p.Asp13Ala (NM_001244580.2, NM_003496.4); short protein forms D13A.
Identifiers: ClinVar variation 2636996 (VCV002636996.1), dbSNP rs2484607359, ClinGen allele CA368300949.

ClinVar aggregate classification (germline): Uncertain significance (1 of 4 stars; one submission).

Conditions:
TRRAP-related disorder. Also called: TRRAP-related condition.

Allele frequency attached by ClinVar (database versions not stated): gnomAD exomes below 0.00001.
gnomAD v4.1: 2 of 1,611,206 alleles (0.00012%); highest among the groups gnomAD compares: Non-Finnish European, 0.00017%; no homozygotes.

Submission:

PreventionGenetics, part of Exact Sciences
Classification: Uncertain significance for TRRAP-related condition. Last evaluated: 2022-09-25. Review status: criteria provided, single submitter. Criteria: ACMG Guidelines, 2015. Collection method: clinical testing. Allele origin: germline.
Comment: The TRRAP c.38A>C variant is predicted to result in the amino acid substitution p.Asp13Ala. To our knowledge, this variant has not been reported in the literature or in a large population database, indicating this variant is rare. At this time, the clinical significance of this variant is uncertain due to the absence of conclusive functional and genetic evidence.